The following is an entry in ClinVar:

ClinVar aggregate classification (germline): Uncertain significance. Review status: criteria provided, multiple submitters, no conflicts (2 of 4 stars). 2 submissions from 2 submitters: Uncertain significance (2). Last evaluated 2025-09-30.

Conditions:
Hereditary cancer-predisposing syndrome. Also called: Hereditary neoplastic syndrome; Neoplastic Syndromes, Hereditary; Tumor predisposition; Hereditary Cancer Syndrome. Identifiers: Orphanet 140162, MedGen C0027672, MeSH D009386, MONDO:0015356.
Ataxia-telangiectasia syndrome (AT). Also called: Ataxia telangiectasia (A-T); LOUIS-BAR SYNDROME; Cerebello-oculocutaneous telangiectasia; Immunodeficiency with ataxia telangiectasia; Ataxia-telangiectasia, complementation group D; AT, COMPLEMENTATION GROUP C. Identifiers: Orphanet 100, MedGen C0004135, MONDO:0008840, OMIM 208900.

Allele frequency attached by ClinVar (database versions not stated): TOPMed below 0.00001.

Submissions (2):

Labcorp Genetics (formerly Invitae), Labcorp
Classification: Uncertain significance for Ataxia-telangiectasia syndrome. Last evaluated: 2025-09-30. Review status: criteria provided, single submitter. Criteria: Invitae Variant Classification Sherloc (09022015). Collection method: clinical testing. Allele origin: germline.
Comment: This sequence change falls in intron 47 of the ATM gene. It does not directly change the encoded amino acid sequence of the ATM protein. This variant is not present in population databases (gnomAD no frequency). This variant has not been reported in the literature in individuals affected with ATM-related conditions. ClinVar contains an entry for this variant (Variation ID: 1756398). Algorithms developed to predict the effect of sequence changes on RNA splicing suggest that this variant may disrupt the consensus splice site. In summary, the available evidence is currently insufficient to determine the role of this variant in disease. Therefore, it has been classified as a Variant of Uncertain Significance.

Ambry Genetics
Classification: Uncertain significance for Hereditary cancer-predisposing syndrome. Last evaluated: 2022-06-07. Review status: criteria provided, single submitter. Criteria: Ambry Variant Classification Scheme 2023. Collection method: clinical testing. Allele origin: germline.
Comment: The c.6976-12T>G intronic variant results from a T to G substitution 12 nucleotides upstream from coding exon 47 in the ATM gene. This nucleotide position is highly conserved in available vertebrate species. In silico splice site analysis predicts that this alteration will not have any significant effect on splicing; however, direct evidence is insufficient at this time (Ambry internal data). Since supporting evidence is limited at this time, the clinical significance of this alteration remains unclear.

NM_000051.4(ATM):c.6976-12T>G

Genes: ATM (ATM serine/threonine kinase; plus strand), C11orf65 (chromosome 11 open reading frame 65; minus strand). Cytogenetic location: 11q22.3.
Variant type: single nucleotide variant.
Coding change: c.6976-12T>G on transcript NM_000051.4 (MANE Select); 12 bases into the intron before coding-DNA position 6976, T replaced by G.
Molecular consequence: intron variant.
Genome position (GRCh38, 1-based): chr11:108,327,633, T>G. VCF-style: chr11-108327633-T-G. GRCh37 (hg19) VCF-style: chr11-108198360-T-G.
Other names: c.6976-12T>G (NM_001351834.2); c.641-18562A>C (NM_001330368.2); c.*38+7587A>C (NM_001351110.2).
Identifiers: ClinVar variation 1756398 (VCV001756398.2), dbSNP rs2085806523, ClinGen allele CA1998809425.
Genomic context (GRCh38, chr11:108,327,633, plus strand): 5'-CCGTACATGAAGGGCAGTTGGGTACAGTCATGGTAATGCATTATATTTTAAGATTTTGCC[T>G]TTCTTATACAGAACAATCCCAGCCTAAAACTTACATACACAGAATGTCTGAGGGTTTGTG-3'